The following is an entry in ClinVar:

NM_000075.4(CDK4):c.636T>A (p.Pro212=)

Genes: CDK4 (cyclin dependent kinase 4; minus strand), TSPAN31 (tetraspanin 31; plus strand). Cytogenetic location: 12q14.1.
Variant type: single nucleotide variant.
Coding change: c.636T>A on transcript NM_000075.4 (MANE Select); coding-DNA position 636, T replaced by A.
Protein change: p.Pro212=; no amino-acid change (proline 212 retained).
Molecular consequence: synonymous variant. On other transcripts: 3 prime UTR variant (3).
Genome position (GRCh38, 1-based): chr12:57,749,501, A>T on the plus strand (T>A on the coding strand, the complement: CDK4 is on the minus strand). VCF-style: chr12-57749501-A-T. GRCh37 (hg19) VCF-style: chr12-58143284-A-T.
Other names: c.*2211A>T (NM_001330168.2, NM_001330169.2, NM_005981.5).
Identifiers: ClinVar variation 3265472 (VCV003265472.4).

ClinVar aggregate classification (germline): Benign/Likely benign. Review status: criteria provided, multiple submitters, no conflicts (2 of 4 stars). 3 submissions from 3 submitters: Benign (1); Likely benign (2). Last evaluated 2024-09-26.

Conditions:
Hereditary cancer-predisposing syndrome. Also called: Hereditary Cancer Syndrome; Tumor predisposition; Hereditary neoplastic syndrome; Neoplastic Syndromes, Hereditary. Identifiers: Orphanet 140162, MedGen C0027672, MeSH D009386, MONDO:0015356.
Familial melanoma. Also called: Hereditary melanoma; Hereditary cutaneous melanoma. Identifiers: Orphanet 618, MedGen C1512419, MONDO:0018961.
Melanoma, cutaneous malignant, susceptibility to, 3. Also called: Cutaneous malignant melanoma 3. Identifiers: Orphanet 618, MedGen C1836892, MONDO:0012183, OMIM 609048.

Submissions (3):

Myriad Genetics, Inc.
Classification: Benign for Melanoma, cutaneous malignant, susceptibility to, 3. Last evaluated: 2024-09-26. Review status: criteria provided, single submitter. Criteria: Myriad Autosomal Dominant, Autosomal Recessive and X-Linked Classification Criteria (2023). Collection method: clinical testing. Allele origin: unknown.
Comment: This variant is considered benign. This variant is a silent/synonymous amino acid change and it is not expected to impact splicing.

Ambry Genetics
Classification: Likely benign for Hereditary cancer-predisposing syndrome. Last evaluated: 2024-04-24. Review status: criteria provided, single submitter. Criteria: Ambry Variant Classification Scheme 2023. Collection method: clinical testing. Allele origin: germline.

Labcorp Genetics (formerly Invitae), Labcorp
Classification: Likely benign for Familial melanoma. Last evaluated: 2024-04-09. Review status: criteria provided, single submitter. Criteria: Invitae Variant Classification Sherloc (09022015). Collection method: clinical testing. Allele origin: germline.